The following is an entry in ClinVar:

NM_001319074.4(RAX2):c.293C>T (p.Pro98Leu)

Gene: RAX2 (retina and anterior neural fold homeobox 2; minus strand). Cytogenetic location: 19p13.3.
Variant type: single nucleotide variant.
Coding change: c.293C>T on transcript NM_001319074.4 (MANE Select); coding-DNA position 293, C replaced by T.
Protein change: p.Pro98Leu; replaces proline 98 with leucine.
Molecular consequence: missense variant.
Genome position (GRCh38, 1-based): chr19:3,770,883, G>A on the plus strand (C>T on the coding strand, the complement: RAX2 is on the minus strand). VCF-style: chr19-3770883-G-A. GRCh37 (hg19) VCF-style: chr19-3770881-G-A.
Other names: c.293C>T, p.Pro98Leu (NM_032753.4); short protein forms P98L.
Identifiers: ClinVar variation 1005446 (VCV001005446.8), dbSNP rs573892963, ClinGen allele CA9085054.

ClinVar aggregate classification (germline): Conflicting classifications of pathogenicity. Review status: criteria provided, conflicting classifications (1 of 4 stars). 2 submissions from 2 submitters: Uncertain significance (1); Likely benign (1). Last evaluated 2026-01-05.

Allele frequency attached by ClinVar (database versions not stated): ExAC below 0.00001; gnomAD exomes 0.00003 and 0.00004; gnomAD 0.00018; TOPMed 0.00020; 1000 Genomes Project 0.00040; 1000 Genomes Project 30x 0.00047.

Submissions (2):

Labcorp Genetics (formerly Invitae), Labcorp
Classification: Uncertain significance. Last evaluated: 2026-01-05. Review status: criteria provided, single submitter. Criteria: Invitae Variant Classification Sherloc (09022015). Collection method: clinical testing. Allele origin: germline.
Comment: This sequence change replaces proline, which is neutral and non-polar, with leucine, which is neutral and non-polar, at codon 98 of the RAX2 protein (p.Pro98Leu). This variant is present in population databases (rs573892963, gnomAD 0.06%). This variant has not been reported in the literature in individuals affected with RAX2-related conditions. ClinVar contains an entry for this variant (Variation ID: 1005446). An algorithm developed to predict the effect of missense changes on protein structure and function outputs the following: PolyPhen-2: "Benign". The leucine amino acid residue is found in multiple mammalian species, which suggests that this missense change does not adversely affect protein function. In summary, the available evidence is currently insufficient to determine the role of this variant in disease. Therefore, it has been classified as a Variant of Uncertain Significance.

Blueprint Genetics
Classification: Likely benign. Last evaluated: 2024-05-13. Review status: criteria provided, single submitter. Criteria: ACMG Guidelines, 2015. Collection method: clinical testing. Allele origin: germline.